The following is an entry in ClinVar:

NM_000539.3(RHO):c.551A>G (p.Gln184Arg)

Gene: RHO (rhodopsin; plus strand). Cytogenetic location: 3q22.1.
Variant type: single nucleotide variant.
Coding change: c.551A>G on transcript NM_000539.3 (MANE Select); coding-DNA position 551, A replaced by G.
Protein change: p.Gln184Arg; replaces glutamine 184 with arginine.
Molecular consequence: missense variant.
Genome position (GRCh38, 1-based): chr3:129,532,271, A>G. VCF-style: chr3-129532271-A-G. GRCh37 (hg19) VCF-style: chr3-129251114-A-G.
Other names: short protein forms Q184R.
Identifiers: ClinVar variation 867026 (VCV000867026.15), dbSNP rs1402468701, ClinGen allele CA354499186.

ClinVar aggregate classification (germline): Pathogenic/Likely pathogenic. Review status: criteria provided, multiple submitters, no conflicts (2 of 4 stars). 5 submissions from 5 submitters: Pathogenic (1); Likely pathogenic (3). 1 of the submissions does not count toward it. Last evaluated 2023-12-07.

Conditions:
Retinal dystrophy. Also called: Inherited retinal dystrophy. Identifiers: Orphanet 71862, MedGen C0854723, MeSH D058499, MONDO:0019118, HP:0000556.
Pigmentary retinal dystrophy. Also called: Fundus albipunctatus. Identifiers: Orphanet 227796, Orphanet 52427, MedGen C0311338, MONDO:0007639, OMIM 136880, HP:0030642.
RHO-related disorder. Also called: RHO-related condition.
Retinitis pigmentosa 4 (RP4). Also called: RETINITIS PIGMENTOSA, RHODOPSIN-RELATED. Identifiers: Orphanet 791, MedGen C3151001, MONDO:0013395, OMIM 613731.
Congenital stationary night blindness autosomal dominant 1. Also called: NIGHT BLINDNESS, CONGENITAL STATIONARY, RHODOPSIN-RELATED. Identifiers: Orphanet 215, MedGen C1864869, MONDO:0012498, OMIM 610445.

Allele frequency attached by ClinVar (database versions not stated): gnomAD 0.00001.
gnomAD v4.1: 1 of 1,614,036 alleles (0.000062%); highest among the groups gnomAD compares: Non-Finnish European, 0.000085%; no homozygotes.

Submissions (5):

Institute of Medical Genetics and Applied Genomics, University Hospital Tübingen
Classification: Likely pathogenic for Retinitis pigmentosa 4. Last evaluated: 2023-12-07. Review status: criteria provided, single submitter. Criteria: ACMG Guidelines, 2015. Collection method: clinical testing. Allele origin: germline. Affected: yes.

Labcorp Genetics (formerly Invitae), Labcorp
Classification: Pathogenic. Last evaluated: 2023-02-11. Review status: criteria provided, single submitter. Criteria: Invitae Variant Classification Sherloc (09022015). Collection method: clinical testing. Allele origin: germline.
Comment: This sequence change replaces glutamine, which is neutral and polar, with arginine, which is basic and polar, at codon 184 of the RHO protein (p.Gln184Arg). This variant is present in population databases (no rsID available, gnomAD 0.007%). For these reasons, this variant has been classified as Pathogenic. This variant disrupts the p.Gln184 amino acid residue in RHO. Other variant(s) that disrupt this residue have been determined to be pathogenic (PMID: 10967073, 30977563, 31319082). This suggests that this residue is clinically significant, and that variants that disrupt this residue are likely to be disease-causing. Advanced modeling of protein sequence and biophysical properties (such as structural, functional, and spatial information, amino acid conservation, physicochemical variation, residue mobility, and thermodynamic stability) performed at Invitae indicates that this missense variant is not expected to disrupt RHO protein function. ClinVar contains an entry for this variant (Variation ID: 867026). This missense change has been observed in individuals with clinical features of autosomal dominant retinitis pigmentosa (Invitae).

Mendelics
Classification: Likely pathogenic for Pigmentary retinal dystrophy. Last evaluated: 2022-05-04. Review status: criteria provided, single submitter. Criteria: Mendelics Assertion Criteria 2019. Collection method: clinical testing. Allele origin: germline.

Blueprint Genetics
Classification: Likely pathogenic for RHO-related disorders. Last evaluated: 2018-11-07. Review status: criteria provided, single submitter. Criteria: ACMG Guidelines, 2015. Collection method: clinical testing. Allele origin: germline. Affected: yes. Observed: 1 variant allele.

Institute of Human Genetics, Univ. Regensburg, Univ. Regensburg
Classification: Pathogenic for Retinal dystrophy. Last evaluated: 2010-01-01. Review status: no assertion criteria provided. Criteria: ACMG Guidelines, 2015. Collection method: clinical testing. Allele origin: germline. Affected: yes. Not counted in ClinVar's aggregate classification.

Literature cited by the submitters: PubMed 10967073 (cited by Labcorp Genetics (formerly Invitae), Labcorp); PubMed 30977563 (cited by Labcorp Genetics (formerly Invitae), Labcorp); PubMed 31319082 (cited by Labcorp Genetics (formerly Invitae), Labcorp).